The following is an entry in ClinVar:

ClinVar aggregate classification (germline): Likely benign (1 of 4 stars; one submission).

Allele frequency attached by ClinVar (database versions not stated): gnomAD exomes 0.00001; ExAC 0.00002; TOPMed 0.00006; gnomAD 0.00008; 1000 Genomes Project 0.00020; 1000 Genomes Project 30x 0.00031.
gnomAD v4.1: 27 of 1,601,098 alleles (0.0017%); highest among the groups gnomAD compares: African/African-American, 0.035%; no homozygotes.

Submission:

CeGaT Center for Human Genetics Tuebingen
Classification: Likely benign. Last evaluated: 2022-07-01. Review status: criteria provided, single submitter. Criteria: CeGaT Center For Human Genetics Tuebingen Variant Classification Criteria Version 2. Collection method: clinical testing. Allele origin: germline. Affected: yes. Observed: 1 variant allele.
Comment: PLCH2: BP4, BP7

NM_014638.4(PLCH2):c.895C>T (p.Leu299=)

Gene: PLCH2 (phospholipase C eta 2; plus strand). Cytogenetic location: 1p36.32.
Variant type: single nucleotide variant.
Coding change: c.895C>T on transcript NM_014638.4 (MANE Select); coding-DNA position 895, C replaced by T.
Protein change: p.Leu299=; no amino-acid change (leucine 299 retained).
Molecular consequence: synonymous variant.
Genome position (GRCh38, 1-based): chr1:2,486,985, C>T. VCF-style: chr1-2486985-C-T. GRCh37 (hg19) VCF-style: chr1-2418424-C-T.
Other names: c.814C>T, p.Leu272= (NM_001303012.2); c.955C>T, p.Leu319= (NM_001303013.1).
Identifiers: ClinVar variation 2638079 (VCV002638079.24), dbSNP rs116153847, ClinGen allele CA538695.
Genomic context (GRCh38, chr1:2,486,985, plus strand): 5'-GAGAGCTGCCAGGACATCATCGAGCAGTTTGAGCCATGCCCAGAAAACAAGAGTAAGGGG[C>T]TGCTGGGCATTGATGGTGAGTGGGGCGCTGCCCTCAGCCCAGCTGTCCTGGGATGCTGGA-3'
Protein context (NP_055453.2, residues 289-309): EPCPENKSKG[Leu299=]LGIDGFTNYT